The following is an entry in ClinVar:

NM_018136.5(ASPM):c.1949C>G (p.Ser650Cys)

Gene: ASPM (assembly factor for spindle microtubules; minus strand). Cytogenetic location: 1q31.3.
Variant type: single nucleotide variant.
Coding change: c.1949C>G on transcript NM_018136.5 (MANE Select); coding-DNA position 1949, C replaced by G.
Protein change: p.Ser650Cys; replaces serine 650 with cysteine.
Molecular consequence: missense variant.
Genome position (GRCh38, 1-based): chr1:197,139,844, G>C on the plus strand (C>G on the coding strand, the complement: ASPM is on the minus strand). VCF-style: chr1-197139844-G-C. GRCh37 (hg19) VCF-style: chr1-197108974-G-C.
Other names: c.1949C>G, p.Ser650Cys (NM_001206846.2); short protein forms S650C.
Identifiers: ClinVar variation 157789 (VCV000157789.25), dbSNP rs112997359, ClinGen allele CA271012.

ClinVar aggregate classification (germline): Conflicting classifications of pathogenicity. Review status: criteria provided, conflicting classifications (1 of 4 stars). 8 submissions from 8 submitters: Uncertain significance (7); Likely benign (1). Last evaluated 2026-08-17.

Conditions:
ASPM-related disorder. Also called: ASPM-related condition.
Inborn genetic diseases. Identifiers: MedGen C0950123, MeSH D030342.
Microcephaly 5, primary, autosomal recessive (MCPH5). Also called: ASPM Primary Microcephaly. Identifiers: Orphanet 2512, MedGen C1837501, MONDO:0012106, OMIM 608716.

Allele frequency attached by ClinVar (database versions not stated): TOPMed 0.00016; gnomAD exomes 0.00004 and 0.00006; ExAC 0.00006; gnomAD 0.00019 and 0.00023.
gnomAD v4.1: 106 of 1,609,238 alleles (0.0066%); highest among the groups gnomAD compares: African/African-American, 0.11%; 2 homozygotes.

Submissions (8):

Ambry Genetics
Classification: Likely benign for Inborn genetic diseases. Last evaluated: 2026-08-17. Review status: criteria provided, single submitter. Criteria: Ambry Variant Classification Scheme 2023. Collection method: clinical testing. Allele origin: germline.

PreventionGenetics, part of Exact Sciences
Classification: Uncertain significance for ASPM-related condition. Last evaluated: 2025-12-01. Review status: criteria provided, single submitter. Criteria: ACMG Guidelines, 2015. Collection method: clinical testing. Allele origin: germline.
Comment: The ASPM c.1949C>G variant is predicted to result in the amino acid substitution p.Ser650Cys. To our knowledge, this variant has not been reported in the literature. This variant is reported in 0.072% of alleles in individuals of African descent in gnomAD. Although we suspect that this variant may be benign, at this time, the clinical significance of this variant is uncertain due to the absence of conclusive functional and genetic evidence.

Labcorp Genetics (formerly Invitae), Labcorp
Classification: Uncertain significance. Last evaluated: 2025-06-18. Review status: criteria provided, single submitter. Criteria: Invitae Variant Classification Sherloc (09022015). Collection method: clinical testing. Allele origin: germline.
Comment: This sequence change replaces serine, which is neutral and polar, with cysteine, which is neutral and slightly polar, at codon 650 of the ASPM protein (p.Ser650Cys). This variant is present in population databases (rs112997359, gnomAD 0.07%). This variant has not been reported in the literature in individuals affected with ASPM-related conditions. ClinVar contains an entry for this variant (Variation ID: 157789). Invitae Evidence Modeling of protein sequence and biophysical properties (such as structural, functional, and spatial information, amino acid conservation, physicochemical variation, residue mobility, and thermodynamic stability) has been performed for this missense variant. However, the output from this modeling did not meet the statistical confidence thresholds required to predict the impact of this variant on ASPM protein function. In summary, the available evidence is currently insufficient to determine the role of this variant in disease. Therefore, it has been classified as a Variant of Uncertain Significance.

Genome-Nilou Lab
Classification: Uncertain significance for Microcephaly 5, primary, autosomal recessive. Last evaluated: 2023-04-11. Review status: criteria provided, single submitter. Criteria: ACMG Guidelines, 2015. Collection method: clinical testing. Allele origin: germline. Affected: no.

Revvity Omics, Revvity
Classification: Uncertain significance for Microcephaly 5, primary, autosomal recessive. Last evaluated: 2020-12-29. Review status: criteria provided, single submitter. Criteria: ACMG Guidelines, 2015. Collection method: clinical testing. Allele origin: germline.

Eurofins Ntd Llc (ga)
Classification: Uncertain significance. Last evaluated: 2017-07-28. Review status: criteria provided, single submitter. Criteria: EGL Classification Definitions 2015. Collection method: clinical testing. Allele origin: germline. Observed: 1 variant allele, 1 heterozygote.

Genetic Services Laboratory, University of Chicago
Classification: Uncertain significance for Microcephaly 5, primary, autosomal recessive. Last evaluated: 2013-02-27. Review status: criteria provided, single submitter. Criteria: ACMG Guidelines, 2007. Collection method: clinical testing. Allele origin: germline. Inheritance: Autosomal recessive inheritance.

Breakthrough Genomics
Classification: Uncertain significance. Review status: criteria provided, single submitter. Criteria: ACMG Guidelines, 2015. Collection method: not provided. Allele origin: germline. Inheritance: Autosomal recessive inheritance. Affected: yes.